The following is an entry in ClinVar:

NM_024408.4(NOTCH2):c.7358G>A (p.Arg2453Gln)

Gene: NOTCH2 (notch receptor 2; minus strand). Cytogenetic location: 1p12.
Variant type: single nucleotide variant.
Coding change: c.7358G>A on transcript NM_024408.4 (MANE Select); coding-DNA position 7358, G replaced by A.
Protein change: p.Arg2453Gln; replaces arginine 2453 with glutamine.
Molecular consequence: missense variant.
Genome position (GRCh38, 1-based): chr1:119,915,364, C>T on the plus strand (G>A on the coding strand, the complement: NOTCH2 is on the minus strand). VCF-style: chr1-119915364-C-T. GRCh37 (hg19) VCF-style: chr1-120457987-C-T.
Other names: short protein forms R2453Q.
Identifiers: ClinVar variation 1477658 (VCV001477658.6), dbSNP rs145366664, ClinGen allele CA1039279.

ClinVar aggregate classification (germline): Uncertain significance (1 of 4 stars; one submission).

Conditions:
Hajdu-Cheney syndrome (HJCYS). Also called: Acroosteolysis dominant type; SERPENTINE FIBULA-POLYCYSTIC KIDNEY SYNDROME; ACROOSTEOLYSIS WITH OSTEOPOROSIS AND CHANGES IN SKULL AND MANDIBLE. Identifiers: Orphanet 955, MedGen C0917715, MONDO:0007057, OMIM 102500.

Allele frequency attached by ClinVar (database versions not stated): gnomAD exomes 0.00001; TOPMed 0.00001; ExAC 0.00002; ESP Exome Variant Server 0.00008; 1000 Genomes Project 30x 0.00016; 1000 Genomes Project 0.00020.
gnomAD v4.1: 11 of 1,614,152 alleles (0.00068%); highest among the groups gnomAD compares: South Asian, 0.0011%; no homozygotes.

Submission:

Labcorp Genetics (formerly Invitae), Labcorp
Classification: Uncertain significance for Hajdu-Cheney syndrome. Last evaluated: 2025-10-09. Review status: criteria provided, single submitter. Criteria: Invitae Variant Classification Sherloc (09022015). Collection method: clinical testing. Allele origin: germline.
Comment: This sequence change replaces arginine, which is basic and polar, with glutamine, which is neutral and polar, at codon 2453 of the NOTCH2 protein (p.Arg2453Gln). This variant is present in population databases (rs145366664, gnomAD 0.01%). This variant has not been reported in the literature in individuals affected with NOTCH2-related conditions. ClinVar contains an entry for this variant (Variation ID: 1477658). Invitae Evidence Modeling of protein sequence and biophysical properties (such as structural, functional, and spatial information, amino acid conservation, physicochemical variation, residue mobility, and thermodynamic stability) indicates that this missense variant is not expected to disrupt NOTCH2 protein function with a negative predictive value of 95%. In summary, the available evidence is currently insufficient to determine the role of this variant in disease. Therefore, it has been classified as a Variant of Uncertain Significance.